The following is an entry in ClinVar:

NM_001122955.4(BSCL2):c.1154-1del

Genes: BSCL2 (BSCL2 lipid droplet biogenesis associated, seipin; minus strand), HNRNPUL2-BSCL2 (HNRNPUL2-BSCL2 readthrough (NMD candidate); minus strand). Cytogenetic location: 11q12.3.
Variant type: Deletion.
Coding change: c.1154-1del on transcript NM_001122955.4 (MANE Select); the canonical splice acceptor site of the intron before coding-DNA position 1154, one base deleted (G; older notation c.1154-1delG).
Molecular consequence: splice acceptor variant.
Genome position (GRCh38, 1-based): chr11:62,690,693, C deleted on the plus strand (G on the coding strand, the reverse complement: BSCL2 is on the minus strand). VCF-style (leftmost placement, unchanged base first): chr11-62690692-TC-T. GRCh37 (hg19) VCF-style: chr11-62458164-TC-T.
Other names: c.820-1del (NM_001130702.2); c.962-1del (NM_032667.6); c.1154-1del (NM_001386028.1); c.1160-1del (NM_001386027.1).
Identifiers: ClinVar variation 959116 (VCV000959116.8), dbSNP rs1945285043, ClinGen allele CA1139661980.
Genomic context (GRCh38, chr11:62,690,692, plus strand): 5'-AGCTCCTCTTCTCCGCTCAGGGGCTGCTGATCTGGTTTCTCCTCCTCGGACAGCTGACCC[TC>T]TGCAGCCAAAAGGGGAATGCAGGGGTCAGACCCAGACACTGAAGGAGAAAGCCAAGGAGT-3'

ClinVar aggregate classification (germline): Likely pathogenic (1 of 4 stars; one submission).

Conditions:
Charcot-Marie-Tooth disease type 2. Also called: Charcot-Marie-Tooth type 2. Identifiers: Orphanet 64746, MedGen C0270914, MONDO:0018993.

Submission:

Labcorp Genetics (formerly Invitae), Labcorp
Classification: Likely pathogenic for Charcot-Marie-Tooth disease type 2. Last evaluated: 2019-09-09. Review status: criteria provided, single submitter. Criteria: Invitae Variant Classification Sherloc (09022015). Collection method: clinical testing. Allele origin: germline.
Comment: In summary, the currently available evidence indicates that the variant is pathogenic, but additional data are needed to prove that conclusively. Therefore, this variant has been classified as Likely Pathogenic. Donor and acceptor splice site variants typically lead to a loss of protein function (PMID: 16199547), and loss-of-function variants in BSCL2 are known to be pathogenic (PMID: 23564749). This variant has not been reported in the literature in individuals with BSCL2-related conditions. This variant is not present in population databases (ExAC no frequency). This sequence change affects an acceptor splice site in intron 9 of the BSCL2 gene. It is expected to disrupt RNA splicing and likely results in an absent or disrupted protein product.

Literature cited by the submitters: PubMed 16199547; PubMed 23564749.